The following is an entry in ClinVar:

ClinVar aggregate classification (germline): Conflicting classifications of pathogenicity. Review status: criteria provided, conflicting classifications (1 of 4 stars). 6 submissions from 6 submitters: Uncertain significance (4); Likely benign (2). Last evaluated 2025-02-17.

Conditions:
BRCA2-related cancer predisposition. Identifiers: MedGen CN377758, MONDO:0700269.
Hereditary cancer-predisposing syndrome. Also called: Hereditary Cancer Syndrome; Neoplastic Syndromes, Hereditary; Hereditary neoplastic syndrome; Tumor predisposition. Identifiers: Orphanet 140162, MedGen C0027672, MeSH D009386, MONDO:0015356.
Hereditary breast ovarian cancer syndrome. Also called: BRCA1- and BRCA2-Associated Hereditary Breast and Ovarian Cancer; Hereditary breast and ovarian cancer syndrome; Hereditary breast and/or ovarian cancer syndrome; Breast and ovarian cancer; Hereditary breast and ovarian cancer; Hereditary breast and ovarian cancer syndrome (HBOC). Identifiers: Orphanet 145, MedGen C0677776, MeSH D061325, MONDO:0003582. Disease mechanism: loss of function.

Allele frequency attached by ClinVar (database versions not stated): gnomAD exomes below 0.00001.

Submissions (6):

Labcorp Genetics (formerly Invitae), Labcorp
Classification: Uncertain significance for Hereditary breast ovarian cancer syndrome. Last evaluated: 2025-02-17. Review status: criteria provided, single submitter. Criteria: Invitae Variant Classification Sherloc (09022015). Collection method: clinical testing. Allele origin: germline.
Comment: This sequence change replaces serine, which is neutral and polar, with asparagine, which is neutral and polar, at codon 326 of the BRCA2 protein (p.Ser326Asn). This variant is not present in population databases (gnomAD no frequency). This variant has not been reported in the literature in individuals affected with BRCA2-related conditions. ClinVar contains an entry for this variant (Variation ID: 142748). Invitae Evidence Modeling of protein sequence and biophysical properties (such as structural, functional, and spatial information, amino acid conservation, physicochemical variation, residue mobility, and thermodynamic stability) indicates that this missense variant is not expected to disrupt BRCA2 protein function with a negative predictive value of 95%. In summary, the available evidence is currently insufficient to determine the role of this variant in disease. Therefore, it has been classified as a Variant of Uncertain Significance.

Ambry Genetics
Classification: Likely benign for Hereditary cancer-predisposing syndrome. Last evaluated: 2024-07-30. Review status: criteria provided, single submitter. Criteria: Ambry Variant Classification Scheme 2023. Collection method: clinical testing. Allele origin: germline.

Department of Pathology and Laboratory Medicine, Sinai Health System
Classification: Uncertain significance for BRCA2-related cancer predisposition. Last evaluated: 2024-07-09. Review status: criteria provided, single submitter. Criteria: ACMG Guidelines, 2015. Collection method: clinical testing. Allele origin: germline.

University of Washington Department of Laboratory Medicine, University of Washington
Classification: Likely benign for Hereditary cancer-predisposing syndrome. Last evaluated: 2023-03-23. Review status: criteria provided, single submitter. Criteria: Dines et al. (Genet Med. 2020). Collection method: curation. Allele origin: germline.
Comment: Missense variant in a coldspot region where missense variants are very unlikely to be pathogenic (PMID:31911673).

BRCA2 exon 10 coldspot. Reclassification based on statistical prior probability.

Quest Diagnostics Nichols Institute San Juan Capistrano
Classification: Uncertain significance. Last evaluated: 2018-02-27. Review status: criteria provided, single submitter. Criteria: Quest Diagnostics criteria. Collection method: clinical testing. Allele origin: germline.

Women's Health and Genetics/Laboratory Corporation of America, LabCorp
Classification: Uncertain significance. Last evaluated: 2016-11-04. Review status: criteria provided, single submitter. Criteria: LabCorp Variant Classification Summary - May 2015. Collection method: clinical testing. Allele origin: germline.
Comment: Variant summary: The BRCA2 c.977G>A (p.Ser326Asn) variant causes a missense change involving a non-conserved nucleotide with 4/5 in silico tools predict a benign outcome, although these predictions have yet to be functionally assessed. The variant of interest was not observed in controls (ExAC, 1000 Gs, or ESP), nor has it been, to our knowledge, reported in affected individuals via publications, although multiple databases/clinical diagnostic laboratories have cited the variant with a classification of "uncertain significance." Therefore, until additional information becomes available (ie, clinical and functional studies), the variant of interest has been classified as a "Variant of Uncertain Significance (VUS)."

NM_000059.4(BRCA2):c.977G>A (p.Ser326Asn)

Gene: BRCA2 (BRCA2 DNA repair associated; plus strand). Cytogenetic location: 13q13.1.
Variant type: single nucleotide variant.
Coding change: c.977G>A on transcript NM_000059.4 (MANE Select); coding-DNA position 977, G replaced by A.
Protein change: p.Ser326Asn; replaces serine 326 with asparagine.
Molecular consequence: missense variant.
Genome position (GRCh38, 1-based): chr13:32,332,455, G>A. VCF-style: chr13-32332455-G-A. GRCh37 (hg19) VCF-style: chr13-32906592-G-A.
Other names: short protein forms S326N.
Identifiers: ClinVar variation 142748 (VCV000142748.14), dbSNP rs587782691, ClinGen allele CA026295.